The following is an entry in ClinVar:

ClinVar aggregate classification (germline): Uncertain significance (1 of 4 stars; one submission).

gnomAD v4.1: 2 of 1,603,222 alleles (0.00012%); highest among the groups gnomAD compares: African/African-American, 0.0027%; no homozygotes.

Submission:

GeneDx
Classification: Uncertain significance. Last evaluated: 2025-07-08. Review status: criteria provided, single submitter. Criteria: GeneDx Variant Classification Process June 2021. Collection method: clinical testing. Allele origin: germline. Affected: yes.
Comment: Not observed at significant frequency in large population cohorts (gnomAD); In silico analysis supports that this missense variant has a deleterious effect on protein structure/function; Has not been previously published as pathogenic or benign to our knowledge

NM_198503.5(KCNT2):c.2744G>T (p.Gly915Val)

Gene: KCNT2 (potassium sodium-activated channel subfamily T member 2; minus strand). Cytogenetic location: 1q31.3.
Variant type: single nucleotide variant.
Coding change: c.2744G>T on transcript NM_198503.5 (MANE Select); coding-DNA position 2744, G replaced by T.
Protein change: p.Gly915Val; replaces glycine 915 with valine.
Molecular consequence: missense variant. On other transcripts: non-coding transcript variant (2).
Genome position (GRCh38, 1-based): chr1:196,282,310, C>A on the plus strand (G>T on the coding strand, the complement: KCNT2 is on the minus strand). VCF-style: chr1-196282310-C-A. GRCh37 (hg19) VCF-style: chr1-196251440-C-A.
Other names: c.2672G>T, p.Gly891Val (NM_001287819.3); c.2522G>T, p.Gly841Val (NM_001287820.3); short protein forms G841V, G891V, G915V.
Identifiers: ClinVar variation 4685400 (VCV004685400.1).
Genomic context (GRCh38, chr1:196,282,310, plus strand): 5'-TATTCTAGAGATTATTAACTTACAGAACAAAGAAACCCAGATCCTGGTGTAGTGTCCAGT[C>A]CCAACAGAAGTCTCGTGATAGAAATCATATAATCCTTCACAAATGACTGCAATATAAACA-3'
Protein context (NP_940905.2, residues 905-925): YMISITRLLL[Gly915Val]LDTTPGSGFL